The following is an entry in ClinVar:

NM_173660.5(DOK7):c.332-69A>G

Gene: DOK7 (docking protein 7; plus strand). Cytogenetic location: 4p16.3.
Variant type: single nucleotide variant.
Coding change: c.332-69A>G on transcript NM_173660.5 (MANE Select); 69 bases into the intron before coding-DNA position 332, A replaced by G.
Molecular consequence: intron variant.
Genome position (GRCh38, 1-based): chr4:3,476,273, A>G. VCF-style: chr4-3476273-A-G. GRCh37 (hg19) VCF-style: chr4-3478000-A-G.
Other names: c.332-69A>G (NM_001301071.2, NM_001164673.2); c.101-9266A>G (NM_001363811.2).
Identifiers: ClinVar variation 681754 (VCV000681754.2), dbSNP rs2857985, ClinGen allele CA91532046.
Genomic context (GRCh38, chr4:3,476,273, plus strand): 5'-GCCCTCTCGCCCCGCCTGCCCGTGATGCCCTCTCACCCCACCCGCCCGTGATGCCCTCTC[A>G]CCCCACCCGCCCGTGATGTCCTCTCACCCTGCCCGCCCGTGATGCCCTCTTGCCCCGCCT-3'

ClinVar aggregate classification (germline): Likely benign. Review status: criteria provided, multiple submitters, no conflicts (2 of 4 stars). 2 submissions from 2 submitters: Likely benign (2). Last evaluated 2018-06-19.

Allele frequency attached by ClinVar (database versions not stated): gnomAD exomes 0.00055; gnomAD 0.03470.

Submissions (2):

GeneDx
Classification: Likely benign. Last evaluated: 2018-06-19. Review status: criteria provided, single submitter. Criteria: GeneDx Variant Classification (06012015). Collection method: clinical testing. Allele origin: germline. Affected: yes.
Comment: This variant is considered likely benign or benign based on one or more of the following criteria: it is a conservative change, it occurs at a poorly conserved position in the protein, it is predicted to be benign by multiple in silico algorithms, and/or has population frequency not consistent with disease.

Breakthrough Genomics
Classification: Likely benign. Review status: criteria provided, single submitter. Criteria: ACMG Guidelines, 2015. Collection method: not provided. Allele origin: germline. Inheritance: Autosomal recessive inheritance. Affected: yes.